The following is an entry in ClinVar:

ClinVar aggregate classification (germline): Uncertain significance (1 of 4 stars; one submission).

Conditions:
Bethlem myopathy 1A. Also called: MYOPATHY, BENIGN CONGENITAL, WITH CONTRACTURES; Bethlem myopathy 1; Bethlem Muscular Dystrophy. Identifiers: Orphanet 610, MedGen CN029274, MONDO:0024530, OMIM 158810.

Submission:

Labcorp Genetics (formerly Invitae), Labcorp
Classification: Uncertain significance for Bethlem myopathy 1A. Last evaluated: 2023-11-20. Review status: criteria provided, single submitter. Criteria: Invitae Variant Classification Sherloc (09022015). Collection method: clinical testing. Allele origin: germline.
Comment: This sequence change replaces alanine, which is neutral and non-polar, with glycine, which is neutral and non-polar, at codon 2259 of the COL6A3 protein (p.Ala2259Gly). This variant is not present in population databases (gnomAD no frequency). This variant has not been reported in the literature in individuals affected with COL6A3-related conditions. Advanced modeling of protein sequence and biophysical properties (such as structural, functional, and spatial information, amino acid conservation, physicochemical variation, residue mobility, and thermodynamic stability) performed at Invitae indicates that this missense variant is not expected to disrupt COL6A3 protein function with a negative predictive value of 80%. In summary, the available evidence is currently insufficient to determine the role of this variant in disease. Therefore, it has been classified as a Variant of Uncertain Significance.

NM_004369.4(COL6A3):c.6776C>G (p.Ala2259Gly)

Gene: COL6A3 (collagen type VI alpha 3 chain; minus strand). Cytogenetic location: 2q37.3.
Variant type: single nucleotide variant.
Coding change: c.6776C>G on transcript NM_004369.4 (MANE Select); coding-DNA position 6776, C replaced by G.
Protein change: p.Ala2259Gly; replaces alanine 2259 with glycine.
Molecular consequence: missense variant.
Genome position (GRCh38, 1-based): chr2:237,351,170, G>C on the plus strand (C>G on the coding strand, the complement: COL6A3 is on the minus strand). VCF-style: chr2-237351170-G-C. GRCh37 (hg19) VCF-style: chr2-238259813-G-C.
Other names: c.4955C>G, p.Ala1652Gly (NM_057166.5); c.6158C>G, p.Ala2053Gly (NM_057167.4); short protein forms A2053G, A1652G, A2259G.
Identifiers: ClinVar variation 2697796 (VCV002697796.3), dbSNP rs747555430, ClinGen allele CA351210821.